The following is an entry in ClinVar:

ClinVar aggregate classification (germline): Uncertain significance. Review status: criteria provided, multiple submitters, no conflicts (2 of 4 stars). 11 submissions from 11 submitters: Uncertain significance (11). Last evaluated 2026-10-01.

Conditions:
Breast-ovarian cancer, familial, susceptibility to, 2 (BROVCA2). Also called: BRCA2 Hereditary Breast and Ovarian Cancer. Identifiers: Orphanet 145, MedGen C2675520, MONDO:0012933, OMIM 612555. Disease mechanism: loss of function.
Familial cancer of breast. Also called: Hereditary breast cancer; hereditary breast carcinoma; BREAST CANCER, FAMILIAL. Identifiers: Orphanet 227535, MedGen C0346153, MONDO:0016419, OMIM 114480. Disease mechanism: loss of function.
Hereditary cancer-predisposing syndrome. Also called: Neoplastic Syndromes, Hereditary; Tumor predisposition; Hereditary neoplastic syndrome; Hereditary Cancer Syndrome. Identifiers: Orphanet 140162, MedGen C0027672, MeSH D009386, MONDO:0015356.
Hereditary breast ovarian cancer syndrome. Also called: Breast and ovarian cancer; BRCA1- and BRCA2-Associated Hereditary Breast and Ovarian Cancer; Hereditary breast and/or ovarian cancer syndrome; Hereditary breast and ovarian cancer syndrome; Hereditary breast and ovarian cancer; Hereditary breast and ovarian cancer syndrome (HBOC). Identifiers: Orphanet 145, MedGen C0677776, MeSH D061325, MONDO:0003582. Disease mechanism: loss of function.

Allele frequency attached by ClinVar (database versions not stated): gnomAD exomes below 0.00001; TOPMed below 0.00001.
gnomAD v4.1: 4 of 1,613,948 alleles (0.00025%); highest among the groups gnomAD compares: Non-Finnish European, 0.00034%; no homozygotes.

Submissions (11):

St. Jude Molecular Pathology, St. Jude Children's Research Hospital
Classification: Uncertain significance for Breast-ovarian cancer, familial, susceptibility to, 2. Last evaluated: 2026-10-01. Review status: criteria provided, single submitter. Criteria: St. Jude Assertion Criteria 2020. Collection method: clinical testing. Allele origin: germline.
Comment: The BRCA2 c.7828G>A p.(Val2610Met) missense change is absent in gnomAD v2.1.1. In silico tools predict a benign effect of this variant on protein function, but to our knowledge this prediction has not been confirmed by functional studies. This variant has been reported in an individual with breast cancer (PMID: 25186627). In summary, the evidence currently available is insufficient to determine the clinical significance of this variant. It has therefore been classifie d as of uncertain significance.

Labcorp Genetics (formerly Invitae), Labcorp
Classification: Uncertain significance for Hereditary breast ovarian cancer syndrome. Last evaluated: 2025-09-24. Review status: criteria provided, single submitter. Criteria: Invitae Variant Classification Sherloc (09022015). Collection method: clinical testing. Allele origin: germline.
Comment: This sequence change replaces valine, which is neutral and non-polar, with methionine, which is neutral and non-polar, at codon 2610 of the BRCA2 protein (p.Val2610Met). This variant is not present in population databases (gnomAD no frequency). This missense change has been observed in individual(s) with a personal and/or family history of breast and/or ovarian cancer (PMID: 24489791, 25186627, 31090900). ClinVar contains an entry for this variant (Variation ID: 135816). Invitae Evidence Modeling of protein sequence and biophysical properties (such as structural, functional, and spatial information, amino acid conservation, physicochemical variation, residue mobility, and thermodynamic stability) has been performed for this missense variant. However, the output from this modeling did not meet the statistical confidence thresholds required to predict the impact of this variant on BRCA2 protein function. RNA analysis performed to evaluate the impact of this missense change on mRNA splicing indicates it does not significantly alter splicing (internal data). In summary, the available evidence is currently insufficient to determine the role of this variant in disease. Therefore, it has been classified as a Variant of Uncertain Significance.

Ambry Genetics
Classification: Uncertain significance for Hereditary cancer-predisposing syndrome. Last evaluated: 2025-07-18. Review status: criteria provided, single submitter. Criteria: Ambry Variant Classification Scheme 2023. Collection method: clinical testing. Allele origin: germline.
Comment: The p.V2610M variant (also known as c.7828G>A), located in coding exon 16 of the BRCA2 gene, results from a G to A substitution at nucleotide position 7828. The valine at codon 2610 is replaced by methionine, an amino acid with highly similar properties. One study performed a RT-PCR splicing assay which found no evidence of aberrant transcripts due to the p.V2610M variant (Whiley PJ et al. PLoS ONE 2014; 9(1):e86836). This alteration was also detected on a 25-gene panel test in an individual diagnosed with breast cancer (Tung N et al. Cancer, 2015 Jan;121:25-33). This amino acid position is highly conserved in available vertebrate species. In addition, this alteration is predicted to be deleterious by in silico analysis. Based on the available evidence, the clinical significance of this variant remains unclear.

Quest Diagnostics Nichols Institute San Juan Capistrano
Classification: Uncertain significance. Last evaluated: 2025-05-28. Review status: criteria provided, single submitter. Criteria: Quest Diagnostics criteria. Collection method: clinical testing. Allele origin: unknown.
Comment: The BRCA2 c.7828G>A (p.Val2610Met) variant has been reported in the published literature in individuals with breast cancer (PMIDs: 24489791 (2014), 25186627 (2015), 31090900 (2019)). Assessment of experimental analysis yielded inconclusive results regarding the impact of this variant on protein function (PMID: 24489791 (2014), 31131967 (2019)). This variant has not been reported in large, multi-ethnic general populations (Genome Aggregation Database). Analysis of this variant using bioinformatics tools for the prediction of the effect of amino acid changes on protein structure and function yielded predictions that this variant is damaging. Based on the available information, we are unable to determine the clinical significance of this variant.

Molecular Pathology, Peter Maccallum Cancer Centre
Classification: Uncertain significance for Breast-ovarian cancer, familial, susceptibility to, 2. Last evaluated: 2025-03-21. Review status: criteria provided, single submitter. Criteria: ACMG Guidelines, 2015. Collection method: clinical testing. Allele origin: germline. Inheritance: Autosomal dominant inheritance.

Women's Health and Genetics/Laboratory Corporation of America, LabCorp
Classification: Uncertain significance. Last evaluated: 2024-04-04. Review status: criteria provided, single submitter. Criteria: LabCorp Variant Classification Summary - May 2015. Collection method: clinical testing. Allele origin: germline.
Comment: Variant summary: BRCA2 c.7828G>A (p.Val2610Met) results in a conservative amino acid change located in the Breast cancer type 2 susceptibility protein, helical domain of the encoded protein sequence. Four of five in-silico tools predict a damaging effect of the variant on protein function. The variant was absent in 251178 control chromosomes. The available data on variant occurrences in the general population are insufficient to allow any conclusion about variant significance. The variant, c.7828G>A has been reported in the literature in individuals affected with breast cancer (Tung_2015, Nones_2019). However these reports do not provide unequivocal conclusions about association of the variant with Hereditary Breast and Ovarian Cancer. Whiley et al reported that even though bioinformatic predication suggested that this variant may affect mRNA splicing, splicing assays further showed no impact on mRNA splicing (Whiley_2014). The following publications have been ascertained in the context of this evaluation (PMID: 20858050, 26207792, 31090900, 25186627, 24489791). ClinVar contains an entry for this variant (Variation ID: 135816). Based on the evidence outlined above, the variant was classified as uncertain significance.

MGZ Medical Genetics Center
Classification: Uncertain significance for Familial cancer of breast. Last evaluated: 2024-02-09. Review status: criteria provided, single submitter. Criteria: CSpec BRCA1/2ACMG Rules Specifications V1.1.0. Collection method: clinical testing. Allele origin: germline. Affected: yes.
Comment: ACMG codes applied following ENIGMA VCEP rules: PP3, PS1_MOD, PM2_SUP, BS7_SUP(RNA)

All of Us Research Program, National Institutes of Health
Classification: Uncertain significance for Breast-ovarian cancer, familial, susceptibility to, 2. Last evaluated: 2024-01-11. Review status: criteria provided, single submitter. Criteria: ACMG Guidelines, 2015. Collection method: clinical testing. Allele origin: germline. Inheritance: Autosomal dominant inheritance. Observed: 1 variant allele, 1 heterozygote.
Comment: This study involves interpretation of variants in research participants for the purpose of population health screening. Participant phenotype was not available at the time of variant classification. Additional details can be found in publication PMID: 35346344, PMCID: PMC8962531

Color Diagnostics, LLC DBA Color Health
Classification: Uncertain significance for Hereditary cancer-predisposing syndrome. Last evaluated: 2023-01-09. Review status: criteria provided, single submitter. Criteria: ACMG Guidelines, 2015. Collection method: clinical testing. Allele origin: germline.
Comment: This missense variant replaces valine with methionine at codon 2610 of the BRCA2 protein. Computational prediction is inconclusive regarding the impact of this variant on protein structure and function (internally defined REVEL score threshold 0.5 < inconclusive < 0.7, PMID: 27666373). To our knowledge, functional studies have not been reported for this variant. This variant has been reported in at least two individuals affected with breast cancer (PMID: 25186627, 31090900). This variant was reported in a multifactorial analysis with a segregation, co-occurrence, and family history likelihood ratios for pathogenicity of 0.83, 1.024, and 4.446, respectively (PMID: 31131967). This variant has not been identified in the general population by the Genome Aggregation Database (gnomAD). The available evidence is insufficient to determine the role of this variant in disease conclusively. Therefore, this variant is classified as a Variant of Uncertain Significance.

GeneDx
Classification: Uncertain significance. Last evaluated: 2022-06-21. Review status: criteria provided, single submitter. Criteria: GeneDx Variant Classification Process June 2021. Collection method: clinical testing. Allele origin: germline. Affected: yes.
Comment: Not observed at significant frequency in large population cohorts (gnomAD); In silico analysis supports that this missense variant does not alter protein structure/function; Also known as 8056G>A; Observed in individuals with a personal and/or family history of breast cancer (Whiley 2014, Tung 2015); This variant is associated with the following publications: (PMID: 26913838, 26207792, 24489791, 12228710, 27433848, 31131967, 20858050, 25186627, 31090900)

Department of Pathology and Laboratory Medicine, Sinai Health System
Classification: Uncertain significance for Familial cancer of breast; Breast-ovarian cancer, familial, susceptibility to, 2. Last evaluated: 2022-05-27. Review status: criteria provided, single submitter. Criteria: ACMG Guidelines, 2015. Collection method: clinical testing. Allele origin: germline. Affected: yes.

Literature cited by the submitters: PubMed 24489791 (cited by 5 submitters); PubMed 25186627 (cited by 6 submitters); PubMed 31090900 (cited by 5 submitters); PubMed 26207792 (cited by Quest Diagnostics Nichols Institute San Juan Capistrano and Women's Health and Genetics/Laboratory Corporation of America, LabCorp); PubMed 31131967 (cited by Quest Diagnostics Nichols Institute San Juan Capistrano and Color Diagnostics, LLC DBA Color Health); PubMed 20858050 (cited by Quest Diagnostics Nichols Institute San Juan Capistrano and Women's Health and Genetics/Laboratory Corporation of America, LabCorp).

NM_000059.4(BRCA2):c.7828G>A (p.Val2610Met)

Gene: BRCA2 (BRCA2 DNA repair associated; plus strand). Cytogenetic location: 13q13.1.
Variant type: single nucleotide variant.
Coding change: c.7828G>A on transcript NM_000059.4 (MANE Select); coding-DNA position 7828, G replaced by A.
Protein change: p.Val2610Met; replaces valine 2610 with methionine.
Molecular consequence: missense variant.
Genome position (GRCh38, 1-based): chr13:32,362,545, G>A. VCF-style: chr13-32362545-G-A. GRCh37 (hg19) VCF-style: chr13-32936682-G-A.
Other names: short protein forms V2610M.
Identifiers: ClinVar variation 135816 (VCV000135816.34), dbSNP rs587780661, ClinGen allele CA025302.